The following is an entry in ClinVar:

NM_017646.6(TRIT1):c.1369G>A (p.Gly457Arg)

Gene: TRIT1 (tRNA isopentenyltransferase 1; minus strand). Cytogenetic location: 1p34.2.
Variant type: single nucleotide variant.
Coding change: c.1369G>A on transcript NM_017646.6 (MANE Select); coding-DNA position 1369, G replaced by A.
Protein change: p.Gly457Arg; replaces glycine 457 with arginine.
Molecular consequence: missense variant.
Genome position (GRCh38, 1-based): chr1:39,841,779, C>T on the plus strand (G>A on the coding strand, the complement: TRIT1 is on the minus strand). VCF-style: chr1-39841779-C-T. GRCh37 (hg19) VCF-style: chr1-40307451-C-T.
Other names: c.1291G>A, p.Gly431Arg (NM_001312691.2); c.1123G>A, p.Gly375Arg (NM_001312692.2); short protein forms G375R, G431R, G457R.
Identifiers: ClinVar variation 4685384 (VCV004685384.1).
Genomic context (GRCh38, chr1:39,841,779, plus strand): 5'-TTCCAAAGGCCACTGGACATGTCTCTTAAACGCTGCATTTCAGCTCTTGATCATTCTGCC[C>T]TGGGGATCCCTTCTCTTTAGGTTCTTTGTTATGGTCTGGGGAAACACTCTGACTTTCTAT-3'
Protein context (NP_060116.2, residues 447-467): NKEPKEKGSP[Gly457Arg]QNDQELKCSV

ClinVar aggregate classification (germline): Uncertain significance (1 of 4 stars; one submission).

Submission:

GeneDx
Classification: Uncertain significance. Last evaluated: 2025-07-10. Review status: criteria provided, single submitter. Criteria: GeneDx Variant Classification Process June 2021. Collection method: clinical testing. Allele origin: germline. Affected: yes.
Comment: Not observed at significant frequency in large population cohorts (gnomAD); In silico analysis suggests that this missense variant does not alter protein structure/function; Has not been previously published as pathogenic or benign to our knowledge